The following is an entry in ClinVar:

ClinVar aggregate classification (germline): Benign/Likely benign. Review status: criteria provided, multiple submitters, no conflicts (2 of 4 stars). 3 submissions from 3 submitters: Benign (1); Likely benign (2). Last evaluated 2026-08-19.

Conditions:
Hereditary cancer-predisposing syndrome. Also called: Tumor predisposition; Neoplastic Syndromes, Hereditary; Hereditary Cancer Syndrome; Hereditary neoplastic syndrome. Identifiers: Orphanet 140162, MedGen C0027672, MeSH D009386, MONDO:0015356.
DICER1-related tumor predisposition. Also called: DICER1 syndrome; DICER1-related pleuropulmonary blastoma cancer predisposition syndrome. Identifiers: Orphanet 284343, MedGen C3839822, MONDO:0100216.

Allele frequency attached by ClinVar (database versions not stated): gnomAD exomes below 0.00001.
gnomAD v4.1: 3 of 1,614,084 alleles (0.00019%); highest among the groups gnomAD compares: Non-Finnish European, 0.00025%; no homozygotes.

Submissions (3):

Myriad Genetics, Inc.
Classification: Benign for DICER1-related tumor predisposition. Last evaluated: 2026-08-19. Review status: criteria provided, single submitter. Criteria: Myriad Autosomal Dominant, Autosomal Recessive and X-Linked Classification Criteria (2023). Collection method: clinical testing. Allele origin: unknown.
Comment: This variant is considered benign. This variant is a silent/synonymous amino acid change and it is not expected to impact splicing.

Labcorp Genetics (formerly Invitae), Labcorp
Classification: Likely benign for DICER1-related tumor predisposition. Last evaluated: 2024-11-05. Review status: criteria provided, single submitter. Criteria: Invitae Variant Classification Sherloc (09022015). Collection method: clinical testing. Allele origin: germline.

Ambry Genetics
Classification: Likely benign for Hereditary cancer-predisposing syndrome. Last evaluated: 2020-06-25. Review status: criteria provided, single submitter. Criteria: Ambry Variant Classification Scheme 2023. Collection method: clinical testing. Allele origin: germline.

NM_177438.3(DICER1):c.5160T>C (p.Leu1720=)

Gene: DICER1 (dicer 1, ribonuclease III; minus strand). Cytogenetic location: 14q32.13.
Variant type: single nucleotide variant.
Coding change: c.5160T>C on transcript NM_177438.3 (MANE Select); coding-DNA position 5160, T replaced by C.
Protein change: p.Leu1720=; no amino-acid change (leucine 1720 retained).
Molecular consequence: synonymous variant.
Genome position (GRCh38, 1-based): chr14:95,094,092, A>G on the plus strand (T>C on the coding strand, the complement: DICER1 is on the minus strand). VCF-style: chr14-95094092-A-G. GRCh37 (hg19) VCF-style: chr14-95560429-A-G.
Other names: c.5160T>C, p.Leu1720= (NM_001195573.1, NM_001271282.3, NM_001291628.2 and 1 more transcripts).
Identifiers: ClinVar variation 543679 (VCV000543679.13), dbSNP rs1555366933, ClinGen allele CA487843925.
Genomic context (GRCh38, chr14:95,094,092, plus strand): 5'-GACCAGGGCAGACCGCAGGTCTGTCAGGACCCCCGGGGAGTGCTGCCGCGGGTCTTCATA[A>G]AGGTGCTTGGTTATGAGGTAGTCCAAAATCGCATCTCCCAGGAATTCTAAGCGCTGGTAA-3'
Protein context (NP_803187.1, residues 1710-1730): AILDYLITKH[Leu1720=]YEDPRQHSPG